The following is an entry in ClinVar:

NM_006929.5(SKIC2):c.545-2A>G

Gene: SKIC2 (SKI2 subunit of superkiller complex; plus strand). Cytogenetic location: 6p21.33.
Variant type: single nucleotide variant.
Coding change: c.545-2A>G on transcript NM_006929.5 (MANE Select); the canonical splice acceptor site of the intron before coding-DNA position 545, A replaced by G.
Molecular consequence: splice acceptor variant.
Genome position (GRCh38, 1-based): chr6:31,961,039, A>G. VCF-style: chr6-31961039-A-G. GRCh37 (hg19) VCF-style: chr6-31928816-A-G.
Identifiers: ClinVar variation 2833511 (VCV002833511.3), dbSNP rs2482901097, ClinGen allele CA363441299.

ClinVar aggregate classification (germline): Likely pathogenic (1 of 4 stars; one submission).

Submission:

Labcorp Genetics (formerly Invitae), Labcorp
Classification: Likely pathogenic. Last evaluated: 2023-02-05. Review status: criteria provided, single submitter. Criteria: Invitae Variant Classification Sherloc (09022015). Collection method: clinical testing. Allele origin: germline.
Comment: In summary, the currently available evidence indicates that the variant is pathogenic, but additional data are needed to prove that conclusively. Therefore, this variant has been classified as Likely Pathogenic. Algorithms developed to predict the effect of sequence changes on RNA splicing suggest that this variant may disrupt the consensus splice site. This variant has not been reported in the literature in individuals affected with SKIV2L-related conditions. This variant is not present in population databases (gnomAD no frequency). This sequence change affects an acceptor splice site in intron 6 of the SKIV2L gene. It is expected to disrupt RNA splicing. Variants that disrupt the donor or acceptor splice site typically lead to a loss of protein function (PMID: 16199547), and loss-of-function variants in SKIV2L are known to be pathogenic (PMID: 22444670).

Literature cited by the submitters: PubMed 16199547; PubMed 22444670.